The following is an entry in ClinVar:

ClinVar aggregate classification (germline): Uncertain significance. Review status: criteria provided, multiple submitters, no conflicts (2 of 4 stars). 3 submissions from 3 submitters: Uncertain significance (2). 1 of the submissions does not count toward it. Last evaluated 2025-05-05.

Conditions:
Cohen syndrome (COH1). Also called: PEPPER SYNDROME; Cutis verticis gyrata, retinitis pigmentosa, and sensorineural deafness. Identifiers: Orphanet 193, MedGen C0265223, MONDO:0008999, OMIM 216550.

Allele frequency attached by ClinVar (database versions not stated): gnomAD exomes 0.00001 and 0.00002; ExAC 0.00002; TOPMed 0.00002; ESP Exome Variant Server 0.00008.
gnomAD v4.1: 35 of 1,613,882 alleles (0.0022%); highest among the groups gnomAD compares: Non-Finnish European, 0.0028%; no homozygotes.

Submissions (3):

Labcorp Genetics (formerly Invitae), Labcorp
Classification: Uncertain significance for Cohen syndrome. Last evaluated: 2025-05-05. Review status: criteria provided, single submitter. Criteria: Invitae Variant Classification Sherloc (09022015). Collection method: clinical testing. Allele origin: germline.
Comment: This sequence change replaces alanine, which is neutral and non-polar, with threonine, which is neutral and polar, at codon 1782 of the VPS13B protein (p.Ala1782Thr). This variant is present in population databases (rs146540735, gnomAD 0.004%). This variant has not been reported in the literature in individuals affected with VPS13B-related conditions. ClinVar contains an entry for this variant (Variation ID: 361066). Invitae Evidence Modeling of protein sequence and biophysical properties (such as structural, functional, and spatial information, amino acid conservation, physicochemical variation, residue mobility, and thermodynamic stability) indicates that this missense variant is not expected to disrupt VPS13B protein function with a negative predictive value of 80%. In summary, the available evidence is currently insufficient to determine the role of this variant in disease. Therefore, it has been classified as a Variant of Uncertain Significance.

Illumina Laboratory Services, Illumina
Classification: Uncertain significance for Cohen syndrome. Last evaluated: 2018-01-13. Review status: criteria provided, single submitter. Criteria: ICSL Variant Classification Criteria 13 December 2019. Collection method: clinical testing. Allele origin: germline.

Natera, Inc.
Classification: Uncertain significance for Cohen syndrome. Last evaluated: 2019-11-11. Review status: no assertion criteria provided. Collection method: clinical testing. Allele origin: germline. Not counted in ClinVar's aggregate classification.

NM_152564.5(VPS13B):c.5269G>A (p.Ala1757Thr)

Gene: VPS13B (vacuolar protein sorting 13 homolog B; plus strand). Cytogenetic location: 8q22.2.
Variant type: single nucleotide variant.
Coding change: c.5269G>A on transcript NM_152564.5 (MANE Select); coding-DNA position 5269, G replaced by A.
Protein change: p.Ala1757Thr; replaces alanine 1757 with threonine.
Molecular consequence: missense variant.
Genome position (GRCh38, 1-based): chr8:99,641,859, G>A. VCF-style: chr8-99641859-G-A. GRCh37 (hg19) VCF-style: chr8-100654087-G-A.
Other names: c.5344G>A, p.Ala1782Thr (NM_017890.5); short protein forms A1757T, A1782T.
Identifiers: ClinVar variation 361066 (VCV000361066.10), dbSNP rs146540735, ClinGen allele CA4823799.